The following is an entry in ClinVar:

ClinVar aggregate classification (germline): Uncertain significance (0 of 4 stars; one submission).

Conditions:
CD96-related disorder. Also called: CD96-related condition.

Submission:

PreventionGenetics, part of Exact Sciences
Classification: Uncertain significance for CD96-related condition. Last evaluated: 2023-12-21. Review status: no assertion criteria provided. Collection method: clinical testing. Allele origin: germline.
Comment: The CD96 c.896C>G variant is predicted to result in the amino acid substitution p.Ala299Gly. To our knowledge, this variant has not been reported in the literature or in a large population database, indicating this variant is rare. At this time, the clinical significance of this variant is uncertain due to the absence of conclusive functional and genetic evidence.

NM_005816.5(CD96):c.848C>G (p.Ala283Gly)

Gene: CD96 (CD96 molecule; plus strand). Cytogenetic location: 3q13.13.
Variant type: single nucleotide variant.
Coding change: c.848C>G on transcript NM_005816.5 (MANE Select); coding-DNA position 848, C replaced by G.
Protein change: p.Ala283Gly; replaces alanine 283 with glycine.
Molecular consequence: missense variant. On other transcripts: non-coding transcript variant (1).
Genome position (GRCh38, 1-based): chr3:111,598,160, C>G. VCF-style: chr3-111598160-C-G. GRCh37 (hg19) VCF-style: chr3-111317007-C-G.
Other names: c.848C>G, p.Ala283Gly (NM_001318889.2, NM_001410800.1); c.896C>G, p.Ala299Gly (NM_198196.3); short protein forms A283G, A299G.
Identifiers: ClinVar variation 3054074 (VCV003054074.2), dbSNP rs1937342582, ClinGen allele CA353959234.